The following is an entry in ClinVar:

ClinVar aggregate classification (germline): Uncertain significance (1 of 4 stars; one submission).

Conditions:
Neurofibromatosis, type 1 (NF1). Also called: VON RECKLINGHAUSEN DISEASE; NEUROFIBROMATOSIS, TYPE I, SOMATIC; Peripheral type neurofibromatosis; Neurofibromatosis, type I. Identifiers: Orphanet 636, MedGen C0027831, MONDO:0018975, OMIM 162200. Disease mechanism: loss of function.

Submission:

Labcorp Genetics (formerly Invitae), Labcorp
Classification: Uncertain significance for Neurofibromatosis, type 1. Last evaluated: 2019-06-15. Review status: criteria provided, single submitter. Criteria: Invitae Variant Classification Sherloc (09022015). Collection method: clinical testing. Allele origin: germline.
Comment: In summary, this variant is a novel missense change with uncertain impact on protein function. It has been classified as a Variant of Uncertain Significance. Algorithms developed to predict the effect of missense changes on protein structure and function do not agree on the potential impact of this missense change (SIFT: "Deleterious"; PolyPhen-2: "Probably Damaging"; Align-GVGD: "Class C0"). This variant is not present in population databases (ExAC no frequency) and has not been reported in the literature in individuals with a NF1-related disease. This sequence change replaces aspartic acid with asparagine at codon 1203 of the NF1 protein (p.Asp1203Asn). The aspartic acid residue is moderately conserved and there is a small physicochemical difference between aspartic acid and asparagine.

NM_001042492.3(NF1):c.3607G>A (p.Asp1203Asn)

Gene: NF1 (neurofibromin 1; plus strand). Cytogenetic location: 17q11.2.
Variant type: single nucleotide variant.
Coding change: c.3607G>A on transcript NM_001042492.3 (MANE Select); coding-DNA position 3607, G replaced by A.
Protein change: p.Asp1203Asn; replaces aspartic acid 1203 with asparagine.
Molecular consequence: missense variant.
Genome position (GRCh38, 1-based): chr17:31,233,112, G>A. VCF-style: chr17-31233112-G-A. GRCh37 (hg19) VCF-style: chr17-29560130-G-A.
Other names: c.3607G>A, p.Asp1203Asn (NM_000267.4); short protein forms D1203N.
Identifiers: ClinVar variation 457658 (VCV000457658.7), dbSNP rs1555615051, ClinGen allele CA398990283.